The following is an entry in ClinVar:

NM_001128148.3(TFRC):c.1127C>A (p.Thr376Asn)

Gene: TFRC (transferrin receptor; minus strand). Cytogenetic location: 3q29.
Variant type: single nucleotide variant.
Coding change: c.1127C>A on transcript NM_001128148.3 (MANE Select); coding-DNA position 1127, C replaced by A.
Protein change: p.Thr376Asn; replaces threonine 376 with asparagine.
Molecular consequence: missense variant.
Genome position (GRCh38, 1-based): chr3:196,065,514, G>T on the plus strand (C>A on the coding strand, the complement: TFRC is on the minus strand). VCF-style: chr3-196065514-G-T. GRCh37 (hg19) VCF-style: chr3-195792385-G-T.
Other names: c.884C>A, p.Thr295Asn (NM_001313965.2); c.281C>A, p.Thr94Asn (NM_001313966.2); c.1127C>A, p.Thr376Asn (NM_003234.4); short protein forms T376N, T295N, T94N.
Identifiers: ClinVar variation 3703959 (VCV003703959.2).

ClinVar aggregate classification (germline): Uncertain significance (1 of 4 stars; one submission).

gnomAD v4.1: 16 of 1,597,682 alleles (0.001%); highest among the groups gnomAD compares: East Asian, 0.034%; no homozygotes.

Submission:

Labcorp Genetics (formerly Invitae), Labcorp
Classification: Uncertain significance. Last evaluated: 2024-11-11. Review status: criteria provided, single submitter. Criteria: Invitae Variant Classification Sherloc (09022015). Collection method: clinical testing. Allele origin: germline.
Comment: This sequence change replaces threonine, which is neutral and polar, with asparagine, which is neutral and polar, at codon 376 of the TFRC protein (p.Thr376Asn). This variant is present in population databases (no rsID available, gnomAD no frequency). This variant has not been reported in the literature in individuals affected with TFRC-related conditions. Invitae Evidence Modeling of protein sequence and biophysical properties (such as structural, functional, and spatial information, amino acid conservation, physicochemical variation, residue mobility, and thermodynamic stability) indicates that this missense variant is not expected to disrupt TFRC protein function with a negative predictive value of 80%. In summary, the available evidence is currently insufficient to determine the role of this variant in disease. Therefore, it has been classified as a Variant of Uncertain Significance.